The following is an entry in ClinVar:

NM_000256.3(MYBPC3):c.1213A>G (p.Met405Val)

Gene: MYBPC3 (myosin binding protein C3; minus strand). Cytogenetic location: 11p11.2.
Variant type: single nucleotide variant.
Coding change: c.1213A>G on transcript NM_000256.3 (MANE Select); coding-DNA position 1213, A replaced by G.
Protein change: p.Met405Val; replaces methionine 405 with valine.
Molecular consequence: missense variant.
Genome position (GRCh38, 1-based): chr11:47,343,502, T>C on the plus strand (A>G on the coding strand, the complement: MYBPC3 is on the minus strand). VCF-style: chr11-47343502-T-C. GRCh37 (hg19) VCF-style: chr11-47365053-T-C.
Other names: short protein forms M405V.
Identifiers: ClinVar variation 164126 (VCV000164126.21), dbSNP rs727503207, ClinGen allele CA009867.
Genomic context (GRCh38, chr11:47,343,502, plus strand): 5'-ATGGGGGTCCCCACCTCCACCCGAGCCCCCCTCCCCACCCCAGGCTGCACCTGCCGCTCA[T>C]CTGGATCTCCTGGCCATTCTTGAGCCATTTGACCTCAGCGTCATGGTCAGCCAGTTCCAC-3'
Protein context (NP_000247.2, residues 395-415): KWLKNGQEIQ[Met405Val]SGSKYIFESI

ClinVar aggregate classification (germline): Conflicting classifications of pathogenicity. Review status: criteria provided, conflicting classifications (1 of 4 stars). 5 submissions from 5 submitters: Likely pathogenic (1); Uncertain significance (4). Last evaluated 2025-12-20.

Conditions:
Cardiovascular phenotype. Identifiers: MedGen CN230736.
Cardiomyopathy (CMYO). Also called: Cardiomyopathies. Identifiers: Orphanet 167848, MedGen C0878544, MONDO:0004994, HP:0001638. Inheritance: Various modes of inheritance.
Hypertrophic cardiomyopathy. Also called: HYPERTROPHIC MYOCARDIOPATHY. Identifiers: Orphanet 217569, MedGen C0007194, MeSH D002312, MONDO:0005045, HP:0001639.

Submissions (5):

Labcorp Genetics (formerly Invitae), Labcorp
Classification: Uncertain significance for Hypertrophic cardiomyopathy. Last evaluated: 2025-12-20. Review status: criteria provided, single submitter. Criteria: Invitae Variant Classification Sherloc (09022015). Collection method: clinical testing. Allele origin: germline.
Comment: This sequence change replaces methionine, which is neutral and non-polar, with valine, which is neutral and non-polar, at codon 405 of the MYBPC3 protein (p.Met405Val). This variant is not present in population databases (gnomAD no frequency). This missense change has been observed in individual(s) with hypertrophic cardiomyopathy (PMID: 25611685, 27532257, 37652022). ClinVar contains an entry for this variant (Variation ID: 164126). An algorithm developed to predict the effect of missense changes on protein structure and function (PolyPhen-2) suggests that this variant is likely to be tolerated. Algorithms developed to predict the effect of sequence changes on RNA splicing suggest that this variant may disrupt the consensus splice site. In summary, the available evidence is currently insufficient to determine the role of this variant in disease. Therefore, it has been classified as a Variant of Uncertain Significance.

Ambry Genetics
Classification: Uncertain significance for Cardiovascular phenotype. Last evaluated: 2025-06-16. Review status: criteria provided, single submitter. Criteria: Ambry Variant Classification Scheme 2023. Collection method: clinical testing. Allele origin: germline.
Comment: The c.1213A>G variant (also known as p.M405V), located in coding exon 13 of the MYBPC3 gene, results from an A to G substitution at nucleotide position 1213. The methionine at codon 405 is replaced by valine, an amino acid with highly similar properties. This variant has been reported in hypertrophic cardiomyopathy (HCM) genetic testing cohorts and individuals reported to have HCM; however, clinical details were limited (Crehalet et al. Cardiogen., 2012; 2:e6; Alfares AA et al. Genet. Med., 2015 Nov;17:880-8; Walsh R et al. Genet. Med., 2017 02;19:192-203). This nucleotide position is not well conserved in available vertebrate species. In silico splice site analysis predicts that this alteration will weaken the native splice donor site and will result in the creation or strengthening of a novel splice donor site. Limited studies suggest that this variant may have some impact on splicing (Crehalet et al. Cardiogen., 2012; 2:e6; Ito K et al. Proc. Natl. Acad. Sci. U.S.A., 2017 07;114:7689-7694). Since supporting evidence is limited at this time, the clinical significance of this alteration remains unclear.

Mayo Clinic Laboratories, Mayo Clinic
Classification: Uncertain significance. Last evaluated: 2022-12-14. Review status: criteria provided, single submitter. Criteria: ACMG Guidelines, 2015. Collection method: clinical testing. Allele origin: germline. Observed: 1 variant allele.
Comment: PP3, PM2_supporting, PS3_moderate, PS4_supporting

CHEO Genetics Diagnostic Laboratory, Children's Hospital of Eastern Ontario
Classification: Likely pathogenic for Cardiomyopathy. Last evaluated: 2022-08-08. Review status: criteria provided, single submitter. Criteria: ACMG Guidelines, 2015. Collection method: clinical testing. Allele origin: germline.

Laboratory for Molecular Medicine, Mass General Brigham Personalized Medicine
Classification: Uncertain significance. Last evaluated: 2014-09-29. Review status: criteria provided, single submitter. Criteria: LMM Criteria. Collection method: clinical testing. Allele origin: germline. Observed: 3 variant alleles.
Comment: Variant classified as Uncertain Significance - Favor Pathogenic. The Met405Val v ariant in MYBPC3 has been previously reported in 1 adult with HCM (Crehalet 2012 ) and was identified by our laboratory in 2 individuals with HCM (LMM unpublishe d data). This variant was absent from large population studies. Methionine (Met) at position 405 is not conserved in evolutionarily distant species and the chan ge to valine (Val) is present in several birds and reptiles. However, computatio nal prediction tools and in vitro studies (Crehalet 2012) suggest this variant m ay lead to the creation of a novel splice site, which could result in a truncate d or absent protein. In summary, while there is some suspicion for a pathogenic role, the clinical significance of the Met405Val variant is uncertain.

Literature cited by the submitters: PubMed 25611685 (cited by 3 submitters); PubMed 27532257 (cited by 3 submitters); PubMed 37652022 (cited by Labcorp Genetics (formerly Invitae), Labcorp); PubMed 28679633 (cited by Ambry Genetics and Mayo Clinic Laboratories, Mayo Clinic).